The following is an entry in ClinVar:

ClinVar aggregate classification (germline): Pathogenic (1 of 4 stars; one submission).

Conditions:
Early-onset Parkinson disease 20. Also called: PARKINSON DISEASE 20, AUTOSOMAL RECESSIVE EARLY-ONSET. Identifiers: Orphanet 391411, MedGen C3809824, MONDO:0014233, OMIM 615530.
Developmental and epileptic encephalopathy, 53. Also called: Epileptic encephalopathy, early infantile, 53. Identifiers: MedGen C4479313, MONDO:0033362, OMIM 617389.

Submission:

Labcorp Genetics (formerly Invitae), Labcorp
Classification: Pathogenic for Developmental and epileptic encephalopathy, 53; Early-onset Parkinson disease 20. Last evaluated: 2023-04-03. Review status: criteria provided, single submitter. Criteria: Invitae Variant Classification Sherloc (09022015). Collection method: clinical testing. Allele origin: germline.
Comment: For these reasons, this variant has been classified as Pathogenic. This sequence change creates a premature translational stop signal (p.Gln444*) in the SYNJ1 gene. It is expected to result in an absent or disrupted protein product. Loss-of-function variants in SYNJ1 are known to be pathogenic (PMID: 25316601, 27435091). This variant is not present in population databases (gnomAD no frequency). This variant has not been reported in the literature in individuals affected with SYNJ1-related conditions.

Literature cited by the submitters: PubMed 25316601; PubMed 27435091.

NM_203446.3(SYNJ1):c.1213C>T (p.Gln405Ter)

Gene: SYNJ1 (synaptojanin 1; minus strand). Cytogenetic location: 21q22.11.
Variant type: single nucleotide variant.
Coding change: c.1213C>T on transcript NM_203446.3 (MANE Select); coding-DNA position 1213, C replaced by T.
Protein change: p.Gln405Ter; replaces glutamine 405 with a stop codon.
Molecular consequence: nonsense.
Genome position (GRCh38, 1-based): chr21:32,681,636, G>A on the plus strand (C>T on the coding strand, the complement: SYNJ1 is on the minus strand). VCF-style: chr21-32681636-G-A. GRCh37 (hg19) VCF-style: chr21-34053946-G-A.
Other names: c.1213C>T, p.Gln405Ter (NM_001160302.2, NM_001160306.2); c.1330C>T, p.Gln444Ter (NM_003895.4); short protein forms Q405*, Q444*.
Identifiers: ClinVar variation 2946094 (VCV002946094.3), dbSNP rs2516717906, ClinGen allele CA410090386.